The following is an entry in ClinVar:

NM_001256007.3(PNPLA8):c.259A>T (p.Ser87Cys)

Gene: PNPLA8 (patatin like domain 8, phospholipase A2; minus strand). Cytogenetic location: 7q31.1.
Variant type: single nucleotide variant.
Coding change: c.259A>T on transcript NM_001256007.3 (MANE Select); coding-DNA position 259, A replaced by T.
Protein change: p.Ser87Cys; replaces serine 87 with cysteine.
Molecular consequence: missense variant. On other transcripts: 5 prime UTR variant (2).
Genome position (GRCh38, 1-based): chr7:108,515,233, T>A on the plus strand (A>T on the coding strand, the complement: PNPLA8 is on the minus strand). VCF-style: chr7-108515233-T-A. GRCh37 (hg19) VCF-style: chr7-108155677-T-A.
Other names: c.259A>T, p.Ser87Cys (NM_001256008.3, NM_001256009.3, NM_015723.5); c.-42A>T (NM_001256010.3, NM_001256011.3); short protein forms S87C.
Identifiers: ClinVar variation 2069366 (VCV002069366.4), dbSNP rs765377643, ClinGen allele CA368899237.
Genomic context (GRCh38, chr7:108,515,233, plus strand): 5'-TACTTTTAATACGGGACATACAAATGTTCACTTTTGTAAGTCCCTTGGGAGCAGAAGTGC[T>A]AAGTTTCAAAATCCCAATATGTAAACCATGGTTGCTTGGAGAGTAACAGTGCTTACTGCA-3'
Protein context (NP_001242936.1, residues 77-97): HGLHIGILKL[Ser87Cys]TSAPKGLTKV

ClinVar aggregate classification (germline): Uncertain significance (1 of 4 stars; one submission).

gnomAD v4.1: 1 of 1,602,314 alleles (0.000062%); highest among the groups gnomAD compares: Admixed American, 0.0017%; no homozygotes.

Submission:

Labcorp Genetics (formerly Invitae), Labcorp
Classification: Uncertain significance. Last evaluated: 2022-01-01. Review status: criteria provided, single submitter. Criteria: Invitae Variant Classification Sherloc (09022015). Collection method: clinical testing. Allele origin: germline.
Comment: In summary, the available evidence is currently insufficient to determine the role of this variant in disease. Therefore, it has been classified as a Variant of Uncertain Significance. Algorithms developed to predict the effect of missense changes on protein structure and function are either unavailable or do not agree on the potential impact of this missense change (SIFT: "Tolerated"; PolyPhen-2: "Probably Damaging"; Align-GVGD: "Class C0"). This variant has not been reported in the literature in individuals affected with PNPLA8-related conditions. This variant is not present in population databases (gnomAD no frequency). This sequence change replaces serine, which is neutral and polar, with cysteine, which is neutral and slightly polar, at codon 87 of the PNPLA8 protein (p.Ser87Cys).